The following is an entry in ClinVar:

ClinVar aggregate classification (germline): Pathogenic (1 of 4 stars; one submission).

Conditions:
Mucolipidosis type II. Also called: ML II ALPHA/BETA; Mucolipidosis 2; ML 2; Inclusion cell disease; Leroy Disease; N-acetylglucosamine 1phosphotransferase deficiency. Identifiers: Orphanet 576, MedGen C2673377, MONDO:0009650, OMIM 252500.
Pseudo-Hurler polydystrophy. Also called: ML III; ML III ALPHA/BETA; Type III Mucolipidosis; ML IIIA; Mucolipidosis III Alpha/Beta; MUCOLIPIDOSIS IIIA. Identifiers: Orphanet 423461, Orphanet 577, MedGen C0033788, MONDO:0018931, OMIM 252600.

Allele frequency attached by ClinVar (database versions not stated): gnomAD exomes below 0.00001.

Submission:

Labcorp Genetics (formerly Invitae), Labcorp
Classification: Pathogenic for Pseudo-Hurler polydystrophy; Mucolipidosis type II. Last evaluated: 2023-07-19. Review status: criteria provided, single submitter. Criteria: Invitae Variant Classification Sherloc (09022015). Collection method: clinical testing. Allele origin: germline.
Comment: For these reasons, this variant has been classified as Pathogenic. This sequence change creates a premature translational stop signal (p.Pro1185Glnfs*24) in the GNPTAB gene. It is expected to result in an absent or disrupted protein product. Loss-of-function variants in GNPTAB are known to be pathogenic (PMID: 19617216, 25107912). This variant is not present in population databases (gnomAD no frequency). This variant has not been reported in the literature in individuals affected with GNPTAB-related conditions.

Literature cited by the submitters: PubMed 19617216; PubMed 25107912.

NM_024312.5(GNPTAB):c.3552del (p.Pro1185fs)

Gene: GNPTAB (N-acetylglucosamine-1-phosphate transferase subunits alpha and beta; minus strand). Cytogenetic location: 12q23.2.
Variant type: Deletion.
Coding change: c.3552del on transcript NM_024312.5 (MANE Select); coding-DNA position 3552, one base deleted (G; older notation c.3552delG).
Protein change: p.Pro1185fs; shifts the reading frame from proline 1185.
Molecular consequence: frameshift variant.
Genome position (GRCh38, 1-based): chr12:101,753,422, C deleted on the plus strand (G on the coding strand, the reverse complement: GNPTAB is on the minus strand). VCF-style (leftmost placement, unchanged base first): chr12-101753421-GC-G. GRCh37 (hg19) VCF-style: chr12-102147199-GC-G.
Other names: short protein forms P1185fs.
Identifiers: ClinVar variation 2934103 (VCV002934103.3), dbSNP rs2547949758, ClinGen allele CA2620426039.